The following is an entry in ClinVar:

NM_015450.3(POT1):c.1164-7A>G

Gene: POT1 (protection of telomeres 1; minus strand). Cytogenetic location: 7q31.33.
Variant type: single nucleotide variant.
Coding change: c.1164-7A>G on transcript NM_015450.3 (MANE Select); 7 bases into the intron before coding-DNA position 1164, A replaced by G.
Molecular consequence: intron variant.
Genome position (GRCh38, 1-based): chr7:124,841,185, T>C on the plus strand (A>G on the coding strand, the complement: POT1 is on the minus strand). VCF-style: chr7-124841185-T-C. GRCh37 (hg19) VCF-style: chr7-124481239-T-C.
Other names: c.771-7A>G (NM_001042594.2).
Identifiers: ClinVar variation 4811436 (VCV004811436.1).
Genomic context (GRCh38, chr7:124,841,185, plus strand): 5'-GTTGCACCATCCTGAAAAATTATATCCAAATCGCCCTCATGTGGAACTTCTTGCCTAAAA[T>C]TATTGGCAATGAAATGATAGAAATCGATTTTGGTGTAAGCGTGAAGATTTCCATTTAACA-3'

ClinVar aggregate classification (germline): Uncertain significance (1 of 4 stars; one submission).

Conditions:
Tumor predisposition syndrome 3 (TPDS3). Also called: Melanoma, cutaneous malignant, susceptibility to, 10; Glioma susceptibility 9; LONG TELOMERE SYNDROME, POT1-RELATED; POT1 Tumor Predisposition. Identifiers: Orphanet 618, MedGen C4014476, MONDO:0014368, OMIM 615848.

Submission:

Labcorp Genetics (formerly Invitae), Labcorp
Classification: Uncertain significance for Tumor predisposition syndrome 3. Last evaluated: 2025-02-04. Review status: criteria provided, single submitter. Criteria: Invitae Variant Classification Sherloc (09022015). Collection method: clinical testing. Allele origin: germline.
Comment: This sequence change falls in intron 13 of the POT1 gene. It does not directly change the encoded amino acid sequence of the POT1 protein. This variant is not present in population databases (gnomAD no frequency). This variant has not been reported in the literature in individuals affected with POT1-related conditions. Algorithms developed to predict the effect of sequence changes on RNA splicing suggest that this variant may disrupt the consensus splice site. In summary, the available evidence is currently insufficient to determine the role of this variant in disease. Therefore, it has been classified as a Variant of Uncertain Significance.